The following is an entry in ClinVar:

NM_001378454.1(ALMS1):c.7175C>T (p.Pro2392Leu)

Gene: ALMS1 (ALMS1 centrosome and basal body associated protein; plus strand). Cytogenetic location: 2p13.1.
Variant type: single nucleotide variant.
Coding change: c.7175C>T on transcript NM_001378454.1 (MANE Select); coding-DNA position 7175, C replaced by T.
Protein change: p.Pro2392Leu; replaces proline 2392 with leucine.
Molecular consequence: missense variant.
Genome position (GRCh38, 1-based): chr2:73,453,702, C>T. VCF-style: chr2-73453702-C-T. GRCh37 (hg19) VCF-style: chr2-73680829-C-T.
Other names: c.7178C>T, p.Pro2393Leu (NM_015120.4); short protein forms P2392L, P2393L.
Identifiers: ClinVar variation 1424513 (VCV001424513.6), dbSNP rs1384040049, ClinGen allele CA347291438.
Genomic context (GRCh38, chr2:73,453,702, plus strand): 5'-TGGCATTAGAAGAAACTCTTAGGCAATATCAAGCAGCCAAATCTGTAATGAGGTCTGAAC[C>T]TGAAGGGTGTAGTGGAACCATTGGGAATAAAATTATTATCCCTATGATGACTGTCATAAA-3'
Protein context (NP_001365383.1, residues 2382-2402): QAAKSVMRSE[Pro2392Leu]EGCSGTIGNK

ClinVar aggregate classification (germline): Uncertain significance (1 of 4 stars; one submission).

Conditions:
Alstrom syndrome (ALMS). Identifiers: Orphanet 64, MedGen C0268425, MONDO:0008763, OMIM 203800.

Allele frequency attached by ClinVar (database versions not stated): gnomAD exomes below 0.00001; TOPMed below 0.00001.
gnomAD v4.1: 1 of 1,614,092 alleles (0.000062%); highest among the groups gnomAD compares: Non-Finnish European, 0.000085%; no homozygotes.

Submission:

Labcorp Genetics (formerly Invitae), Labcorp
Classification: Uncertain significance for Alstrom syndrome. Last evaluated: 2025-03-10. Review status: criteria provided, single submitter. Criteria: Invitae Variant Classification Sherloc (09022015). Collection method: clinical testing. Allele origin: germline.
Comment: This sequence change replaces proline, which is neutral and non-polar, with leucine, which is neutral and non-polar, at codon 2393 of the ALMS1 protein (p.Pro2393Leu). This variant is present in population databases (no rsID available, gnomAD 0.0009%). This variant has not been reported in the literature in individuals affected with ALMS1-related conditions. ClinVar contains an entry for this variant (Variation ID: 1424513). Experimental studies and prediction algorithms are not available or were not evaluated, and the functional significance of this variant is currently unknown. In summary, the available evidence is currently insufficient to determine the role of this variant in disease. Therefore, it has been classified as a Variant of Uncertain Significance.